The following is an entry in ClinVar:

NM_001035.3(RYR2):c.8419A>G (p.Ile2807Val)

Gene: RYR2 (ryanodine receptor 2; plus strand). Cytogenetic location: 1q43.
Variant type: single nucleotide variant.
Coding change: c.8419A>G on transcript NM_001035.3 (MANE Select); coding-DNA position 8419, A replaced by G.
Protein change: p.Ile2807Val; replaces isoleucine 2807 with valine.
Molecular consequence: missense variant.
Genome position (GRCh38, 1-based): chr1:237,660,930, A>G. VCF-style: chr1-237660930-A-G. GRCh37 (hg19) VCF-style: chr1-237824230-A-G.
Other names: short protein forms I2807V.
Identifiers: ClinVar variation 798252 (VCV000798252.34), dbSNP rs1394059438, ClinGen allele CA345401986.

ClinVar aggregate classification (germline): Conflicting classifications of pathogenicity. Review status: criteria provided, conflicting classifications (1 of 4 stars). 8 submissions from 7 submitters: Uncertain significance (2); Benign (1); Likely benign (5). Last evaluated 2025-11-16.

Conditions:
Arrhythmogenic right ventricular dysplasia 2. Identifiers: MedGen C1832931.
Catecholaminergic polymorphic ventricular tachycardia 1. Also called: VENTRICULAR TACHYCARDIA, STRESS-INDUCED POLYMORPHIC 1; RYR2-Related Catecholaminergic Polymorphic Ventricular Tachycardia; VENTRICULAR TACHYCARDIA, CATECHOLAMINERGIC POLYMORPHIC, 1, WITH OR WITHOUT ATRIAL DYSFUNCTION AND/OR DILATED CARDIOMYOPATHY. Identifiers: Orphanet 3286, MedGen C1631597, MONDO:0011484, OMIM 604772.
Cardiovascular phenotype. Identifiers: MedGen CN230736.
Cardiomyopathy (CMYO). Also called: Cardiomyopathies. Identifiers: Orphanet 167848, MedGen C0878544, MONDO:0004994, HP:0001638. Inheritance: Various modes of inheritance.

Allele frequency attached by ClinVar (database versions not stated): TOPMed 0.00002; gnomAD 0.00005; gnomAD exomes 0.00011 and 0.00012.
gnomAD v4.1: 154 of 1,443,024 alleles (0.011%); highest among the groups gnomAD compares: East Asian, 0.4%; no homozygotes.

Submissions (8):

Labcorp Genetics (formerly Invitae), Labcorp
Classification: Likely benign for Catecholaminergic polymorphic ventricular tachycardia 1. Last evaluated: 2025-11-16. Review status: criteria provided, single submitter. Criteria: Invitae Variant Classification Sherloc (09022015). Collection method: clinical testing. Allele origin: germline.

CeGaT Center for Human Genetics Tuebingen
Classification: Benign. Last evaluated: 2025-02-01. Review status: criteria provided, single submitter. Criteria: CeGaT Center For Human Genetics Tuebingen Variant Classification Criteria Version 2. Collection method: clinical testing. Allele origin: germline. Affected: yes. Observed: 1 variant allele.
Comment: RYR2: BS1, BS2

Women's Health and Genetics/Laboratory Corporation of America, LabCorp
Classification: Likely benign. Last evaluated: 2023-06-10. Review status: criteria provided, single submitter. Criteria: LabCorp Variant Classification Summary - May 2015. Collection method: clinical testing. Allele origin: germline.

Ambry Genetics
Classification: Likely benign for Cardiovascular phenotype. Last evaluated: 2021-06-15. Review status: criteria provided, single submitter. Criteria: Ambry Variant Classification Scheme 2023. Collection method: clinical testing. Allele origin: germline.

GeneDx
Classification: Likely benign. Last evaluated: 2021-06-09. Review status: criteria provided, single submitter. Criteria: GeneDx Variant Classification Process June 2021. Collection method: clinical testing. Allele origin: germline. Affected: yes.
Comment: This variant is associated with the following publications: (PMID: 19926015, 26582918, 27535533)

Color Diagnostics, LLC DBA Color Health
Classification: Likely benign for Cardiomyopathy. Last evaluated: 2020-04-13. Review status: criteria provided, single submitter. Criteria: ACMG Guidelines, 2015. Collection method: clinical testing. Allele origin: germline.

Illumina Laboratory Services, Illumina
Classification: Uncertain significance for Catecholaminergic polymorphic ventricular tachycardia 1. Last evaluated: 2018-01-12. Review status: criteria provided, single submitter. Criteria: ICSL Variant Classification Criteria 13 December 2019. Collection method: clinical testing. Allele origin: germline.

Illumina Laboratory Services, Illumina
Classification: Uncertain significance for Catecholaminergic polymorphic ventricular tachycardia 1. Last evaluated: 2018-01-12. Review status: criteria provided, single submitter. Criteria: ICSL Variant Classification Criteria 13 December 2019. Collection method: clinical testing. Allele origin: germline.

Literature cited by the submitters: PubMed 28404607 (cited by Ambry Genetics).